The following is an entry in ClinVar:

ClinVar aggregate classification (germline): Uncertain significance (1 of 4 stars; one submission).

Submission:

Dasa
Classification: Uncertain significance. Last evaluated: 2026-05-26. Review status: criteria provided, single submitter. Criteria: DASA Assertion Criteria. Collection method: clinical testing. Allele origin: germline.
Comment: NM_015057.5(MYCBP2):c.8973A>T (p.Lys2991Asn) is a missense variant that results in the substitution of lysine with asparagine. This variant is rare in population databases. Computational prediction algorithms are consistent with a benign effect. The currently available literature and clinical evidence are not sufficient to establish a definitive association between this variant and the reported condition. Therefore, this variant is classified as a variant of uncertain significance.

NM_015057.5(MYCBP2):c.8973A>T (p.Lys2991Asn)

Gene: MYCBP2 (MYC binding protein 2; minus strand). Cytogenetic location: 13q22.3.
Variant type: single nucleotide variant.
Coding change: c.8973A>T on transcript NM_015057.5 (MANE Select); coding-DNA position 8973, A replaced by T.
Protein change: p.Lys2991Asn; replaces lysine 2991 with asparagine.
Molecular consequence: missense variant.
Genome position (GRCh38, 1-based): chr13:77,098,181, T>A on the plus strand (A>T on the coding strand, the complement: MYCBP2 is on the minus strand). VCF-style: chr13-77098181-T-A. GRCh37 (hg19) VCF-style: chr13-77672316-T-A.
Other names: short protein forms K2991N.
Identifiers: ClinVar variation 5020481 (VCV005020481.1).